The following is an entry in ClinVar:

ClinVar aggregate classification (germline): Uncertain significance. Review status: criteria provided, multiple submitters, no conflicts (2 of 4 stars). 2 submissions from 2 submitters: Uncertain significance (2). Last evaluated 2026-08-04.

Conditions:
Inborn genetic diseases. Identifiers: MedGen C0950123, MeSH D030342.

gnomAD v4.1: 1 of 1,211,494 alleles (0.000083%); highest among the groups gnomAD compares: Non-Finnish European, 0.00011%; no homozygotes.

Submissions (2):

Ambry Genetics
Classification: Uncertain significance for Inborn genetic diseases. Last evaluated: 2026-08-04. Review status: criteria provided, single submitter. Criteria: Ambry Variant Classification Scheme 2023. Collection method: clinical testing. Allele origin: germline.

GeneDx
Classification: Uncertain significance. Last evaluated: 2021-05-06. Review status: criteria provided, single submitter. Criteria: GeneDx Variant Classification Process June 2021. Collection method: clinical testing. Allele origin: germline. Affected: yes.
Comment: Not observed in large population cohorts (Lek et al., 2016); In silico analysis supports that this missense variant does not alter protein structure/function; Has not been previously published as pathogenic or benign to our knowledge; In-silico analysis, which includes splice predictors and evolutionary conservation, is inconclusive as to whether the variant alters gene splicing. In the absence of RNA/functional studies, the actual effect of this sequence change is unknown.

NM_031407.7(HUWE1):c.7885C>A (p.His2629Asn)

Gene: HUWE1 (HECT, UBA and WWE domain containing E3 ubiquitin protein ligase 1; minus strand). Cytogenetic location: Xp11.22.
Variant type: single nucleotide variant.
Coding change: c.7885C>A on transcript NM_031407.7 (MANE Select); coding-DNA position 7885, C replaced by A.
Protein change: p.His2629Asn; replaces histidine 2629 with asparagine.
Molecular consequence: missense variant.
Genome position (GRCh38, 1-based): chrX:53,559,384, G>T on the plus strand (C>A on the coding strand, the complement: HUWE1 is on the minus strand). VCF-style: chrX-53559384-G-T. GRCh37 (hg19) VCF-style: chrX-53586345-G-T.
Other names: short protein forms H2629N.
Identifiers: ClinVar variation 1320667 (VCV001320667.3), dbSNP rs2147586269, ClinGen allele CA413153282.
Genomic context (GRCh38, chrX:53,559,384, plus strand): 5'-TCTACCCTCCCTTTCACCACACAAACTTGCCTGCTTGGCTGGTAGCTGTGCTCTGATCAT[G>T]GAAAAAGTCATCCAGCAGCTCATCATCAGAACGGGCGATGATGTGGACGTCATCGTTGCC-3'
Protein context (NP_113584.3, residues 2619-2639): SDDELLDDFF[His2629Asn]DQSTATSQAG